The following is an entry in ClinVar:

NM_024598.4(USB1):c.218C>T (p.Thr73Ile)

Gene: USB1 (U6 snRNA biogenesis phosphodiesterase 1; plus strand). Cytogenetic location: 16q21.
Variant type: single nucleotide variant.
Coding change: c.218C>T on transcript NM_024598.4 (MANE Select); coding-DNA position 218, C replaced by T.
Protein change: p.Thr73Ile; replaces threonine 73 with isoleucine.
Molecular consequence: missense variant.
Genome position (GRCh38, 1-based): chr16:58,002,598, C>T. VCF-style: chr16-58002598-C-T. GRCh37 (hg19) VCF-style: chr16-58036502-C-T.
Other names: c.218C>T, p.Thr73Ile (NM_001195302.2, NM_001204911.2, NM_001330569.2); c.65C>T, p.Thr22Ile (NM_001330568.2); short protein forms T73I, T22I.
Identifiers: ClinVar variation 3466482 (VCV003466482.1).
Genomic context (GRCh38, chr16:58,002,598, plus strand): 5'-TCCCGGGCACCGAGGAGGGGCCTGAAGATGACAGCACAAAACACGGGGGACGGGTGCGCA[C>T]CTTCCCCCACGAGCGAGGCAACTGGGCCACCCACGTCTATGTACCATGTGAGTGATGTGT-3'
Protein context (NP_078874.2, residues 63-83): DSTKHGGRVR[Thr73Ile]FPHERGNWAT

ClinVar aggregate classification (germline): Uncertain significance (1 of 4 stars; one submission).

Conditions:
Inborn genetic diseases. Identifiers: MedGen C0950123, MeSH D030342.

gnomAD v4.1: 5 of 1,613,996 alleles (0.00031%); highest among the groups gnomAD compares: Non-Finnish European, 0.00042%; no homozygotes.

Submission:

Ambry Genetics
Classification: Uncertain significance for Inborn genetic diseases. Last evaluated: 2024-11-28. Review status: criteria provided, single submitter. Criteria: Ambry Variant Classification Scheme 2023. Collection method: clinical testing. Allele origin: germline.
Comment: The p.T73I variant (also known as c.218C>T), located in coding exon 2 of the USB1 gene, results from a C to T substitution at nucleotide position 218. The threonine at codon 73 is replaced by isoleucine, an amino acid with similar properties. This amino acid position is conserved. In addition, this alteration is predicted to be tolerated by in silico analysis. Based on the available evidence, the clinical significance of this variant remains unclear.